The following is an entry in ClinVar:

NM_002335.4(LRP5):c.4083T>G (p.Cys1361Trp)

Gene: LRP5 (LDL receptor related protein 5; plus strand). Cytogenetic location: 11q13.2.
Variant type: single nucleotide variant.
Coding change: c.4083T>G on transcript NM_002335.4 (MANE Select); coding-DNA position 4083, T replaced by G.
Protein change: p.Cys1361Trp; replaces cysteine 1361 with tryptophan.
Molecular consequence: missense variant.
Genome position (GRCh38, 1-based): chr11:68,436,971, T>G. VCF-style: chr11-68436971-T-G. GRCh37 (hg19) VCF-style: chr11-68204439-T-G.
Other names: c.2340T>G, p.Cys780Trp (NM_001291902.2); c.4083T>G (NM_002335.2); short protein forms C1361W, C780W.
Identifiers: ClinVar variation 1940183 (VCV001940183.6), dbSNP rs2098675372, ClinGen allele CA381614674.
Genomic context (GRCh38, chr11:68,436,971, plus strand): 5'-CCGGTGTGCGAGCGGCCAGTGTGTCCTCATCAAACAGCAGTGCGACTCCTTCCCCGACTG[T>G]ATCGACGGCTCCGACGAGCTCATGTGTGGTGAGCCAGCTTCTGGCACGGGGAAGGGGCGT-3'
Protein context (NP_002326.2, residues 1351-1371): IKQQCDSFPD[Cys1361Trp]IDGSDELMCE

ClinVar aggregate classification (germline): Conflicting classifications of pathogenicity. Review status: criteria provided, conflicting classifications (1 of 4 stars). 2 submissions from 2 submitters: Likely pathogenic (1); Uncertain significance (1). Last evaluated 2025-05-31.

Allele frequency attached by ClinVar (database versions not stated): gnomAD 0.00001.

Submissions (2):

GeneDx
Classification: Uncertain significance. Last evaluated: 2025-05-31. Review status: criteria provided, single submitter. Criteria: GeneDx Variant Classification Process June 2021. Collection method: clinical testing. Allele origin: germline. Affected: yes.
Comment: Not observed at significant frequency in large population cohorts (gnomAD); In silico analysis supports that this missense variant has a deleterious effect on protein structure/function; Has not been previously published as pathogenic or benign to our knowledge

Labcorp Genetics (formerly Invitae), Labcorp
Classification: Likely pathogenic. Last evaluated: 2022-03-09. Review status: criteria provided, single submitter. Criteria: Invitae Variant Classification Sherloc (09022015). Collection method: clinical testing. Allele origin: germline.
Comment: This missense change has been observed in individual(s) with familial exudative vitreoretinopathy (Invitae). In summary, the currently available evidence indicates that the variant is pathogenic, but additional data are needed to prove that conclusively. Therefore, this variant has been classified as Likely Pathogenic. This variant disrupts the p.Cys1361 amino acid residue in LRP5. Other variant(s) that disrupt this residue have been determined to be pathogenic (PMID: 15024691, 16252235; Invitae). This suggests that this residue is clinically significant, and that variants that disrupt this residue are likely to be disease-causing. Advanced modeling of protein sequence and biophysical properties (such as structural, functional, and spatial information, amino acid conservation, physicochemical variation, residue mobility, and thermodynamic stability) performed at Invitae indicates that this missense variant is expected to disrupt LRP5 protein function. This variant is not present in population databases (gnomAD no frequency). This sequence change replaces cysteine, which is neutral and slightly polar, with tryptophan, which is neutral and slightly polar, at codon 1361 of the LRP5 protein (p.Cys1361Trp).

Literature cited by the submitters: PubMed 15024691 (cited by Labcorp Genetics (formerly Invitae), Labcorp); PubMed 16252235 (cited by Labcorp Genetics (formerly Invitae), Labcorp).